The following is an entry in ClinVar:

NM_001370658.1(BTD):c.197T>G (p.Met66Arg)

Gene: BTD (biotinidase; plus strand). Cytogenetic location: 3p25.1.
Variant type: single nucleotide variant.
Coding change: c.197T>G on transcript NM_001370658.1 (MANE Select); coding-DNA position 197, T replaced by G.
Protein change: p.Met66Arg; replaces methionine 66 with arginine.
Molecular consequence: missense variant.
Genome position (GRCh38, 1-based): chr3:15,635,636, T>G. VCF-style: chr3-15635636-T-G. GRCh37 (hg19) VCF-style: chr3-15677143-T-G.
Other names: c.197T>G, p.Met66Arg (NM_001370752.1, NM_001370753.1, NM_001407364.1 and 37 more transcripts); c.257T>G, p.Met86Arg (NM_000060.4); short protein forms M66R.
Identifiers: ClinVar variation 156000 (VCV000156000.13), dbSNP rs587783002, ClinGen allele CA278433.
Genomic context (GRCh38, chr3:15,635,636, plus strand): 5'-CATCCATCCTGAGTCTGAACCCTCTGGCTCTCATCAGCCGCCAAGAGGCCTTGGAGCTCA[T>G]GAACCAGAACCTTGACATCTATGAACAGCAAGTGATGACTGCAGCCCAAAAGGCAAGAAT-3'
Protein context (NP_001357587.1, residues 56-76): LISRQEALEL[Met66Arg]NQNLDIYEQQ

ClinVar aggregate classification (germline): Conflicting classifications of pathogenicity. Review status: criteria provided, conflicting classifications (1 of 4 stars). 3 submissions from 3 submitters: Pathogenic (1); Uncertain significance (1). 1 of the submissions does not count toward it. Last evaluated 2025-07-08.

Conditions:
Biotinidase deficiency. Also called: Biotin deficiency; BTD deficiency; Late-onset biotin-responsive multiple carboxylase deficiency. Identifiers: Orphanet 79241, MedGen C0220754, MONDO:0009665, OMIM 253260.

Allele frequency attached by ClinVar (database versions not stated): TOPMed below 0.00001; gnomAD 0.00001.
gnomAD v4.1: 9 of 1,614,088 alleles (0.00056%); highest among the groups gnomAD compares: Non-Finnish European, 0.00068%; no homozygotes.

Submissions (3):

Women's Health and Genetics/Laboratory Corporation of America, LabCorp
Classification: Uncertain significance. Last evaluated: 2025-07-08. Review status: criteria provided, single submitter. Criteria: LabCorp Variant Classification Summary - May 2015. Collection method: clinical testing. Allele origin: germline.
Comment: Variant summary: BTD c.197T>G (p.Met66Arg) results in a non-conservative amino acid change in the encoded protein sequence. Algorithms developed to predict the effect of missense changes on protein structure and function all suggest that this variant is likely to be disruptive. The variant allele was found at a frequency of 4e-06 in 251402 control chromosomes. c.197T>G has been reported in the literature in individuals affected with partial Biotinidase Deficiency (e.g., Li_2014, Jay_2015 and Gannavarapu_2015). These data indicate that the variant may be associated with disease. To our knowledge, no experimental evidence demonstrating an impact on protein function has been reported. The following publications have been ascertained in the context of this evaluation (PMID: 26361991, 25144890, 24797656). ClinVar contains an entry for this variant (Variation ID: 156000). Based on the evidence outlined above, the variant was classified as VUS-possibly pathogenic.

Labcorp Genetics (formerly Invitae), Labcorp
Classification: Pathogenic for Biotinidase deficiency. Last evaluated: 2024-04-30. Review status: criteria provided, single submitter. Criteria: Invitae Variant Classification Sherloc (09022015). Collection method: clinical testing. Allele origin: germline.
Comment: This sequence change replaces methionine, which is neutral and non-polar, with arginine, which is basic and polar, at codon 86 of the BTD protein (p.Met86Arg). This variant is present in population databases (rs587783002, gnomAD 0.0009%). This missense change has been observed in individual(s) with partial biotinidase deficiency (PMID: 24797656, 25144890, 26361991). In at least one individual the data is consistent with being in trans (on the opposite chromosome) from a pathogenic variant. ClinVar contains an entry for this variant (Variation ID: 156000). Advanced modeling of protein sequence and biophysical properties (such as structural, functional, and spatial information, amino acid conservation, physicochemical variation, residue mobility, and thermodynamic stability) performed at Invitae indicates that this missense variant is expected to disrupt BTD protein function with a positive predictive value of 95%. For these reasons, this variant has been classified as Pathogenic.

Molecular Genetics Diagnostic Laboratory, Detroit Medical Center University Laboratories
Classification: Pathogenic for Biotinidase deficiency. Review status: no assertion criteria provided. Collection method: clinical testing. Allele origin: germline. Affected: yes. Observed: 1 variant allele. Not counted in ClinVar's aggregate classification.

Literature cited by the submitters: PubMed 25144890 (cited by Women's Health and Genetics/Laboratory Corporation of America, LabCorp and Labcorp Genetics (formerly Invitae), Labcorp); PubMed 24797656 (cited by 3 submitters); PubMed 26361991 (cited by Women's Health and Genetics/Laboratory Corporation of America, LabCorp and Labcorp Genetics (formerly Invitae), Labcorp).